The following is an entry in ClinVar:

ClinVar aggregate classification (germline): Benign (1 of 4 stars; one submission).

Conditions:
Familial adenomatous polyposis 1 (FAP1). Also called: POLYPOSIS, ADENOMATOUS INTESTINAL; FAMILIAL ADENOMATOUS POLYPOSIS 1, ATTENUATED. Identifiers: MedGen C2713442, MONDO:0021056, OMIM 175100. Disease mechanism: loss of function.

Allele frequency attached by ClinVar (database versions not stated): gnomAD exomes below 0.00001.
gnomAD v4.1: 1 of 1,614,226 alleles (0.000062%); highest among the groups gnomAD compares: East Asian, 0.0022%; no homozygotes.

Submission:

Myriad Genetics, Inc.
Classification: Benign for Familial adenomatous polyposis 1. Last evaluated: 2024-03-15. Review status: criteria provided, single submitter. Criteria: Myriad Autosomal Dominant, Autosomal Recessive and X-Linked Classification Criteria (2023). Collection method: clinical testing. Allele origin: unknown.
Comment: This variant is considered benign. This variant is a silent/synonymous amino acid change and it is not expected to impact splicing.

NM_000038.6(APC):c.2880A>G (p.Ser960=)

Gene: APC (APC regulator of Wnt signaling pathway; plus strand). Cytogenetic location: 5q22.2.
Variant type: single nucleotide variant.
Coding change: c.2880A>G on transcript NM_000038.6 (MANE Select); coding-DNA position 2880, A replaced by G.
Protein change: p.Ser960=; no amino-acid change (serine 960 retained).
Molecular consequence: synonymous variant. On other transcripts: non-coding transcript variant (2).
Genome position (GRCh38, 1-based): chr5:112,838,474, A>G. VCF-style: chr5-112838474-A-G. GRCh37 (hg19) VCF-style: chr5-112174171-A-G.
Other names: c.2880A>G, p.Ser960= (NM_001127510.3, NM_001354895.2, NM_001407450.1); c.2826A>G, p.Ser942= (NM_001127511.3); c.2934A>G, p.Ser978= (NM_001354896.2, NM_001407447.1, NM_001407448.1 and 1 more transcripts); c.2910A>G, p.Ser970= (NM_001354897.2); c.2805A>G, p.Ser935= (NM_001354898.2); c.2796A>G, p.Ser932= (NM_001354899.2); c.2757A>G, p.Ser919= (NM_001354900.2); c.2703A>G, p.Ser901= (NM_001354901.2, NM_001407453.1); and 11 more.
Identifiers: ClinVar variation 3148227 (VCV003148227.1), dbSNP rs1339795148, ClinGen allele CA445963050.